The following is an entry in ClinVar:

ClinVar aggregate classification (germline): Uncertain significance (1 of 4 stars; one submission).

Submission:

Labcorp Genetics (formerly Invitae), Labcorp
Classification: Uncertain significance. Last evaluated: 2022-07-12. Review status: criteria provided, single submitter. Criteria: Invitae Variant Classification Sherloc (09022015). Collection method: clinical testing. Allele origin: germline.
Comment: This variant, c.1076_1078delinsCGC, is a complex sequence change that results in the deletion of 2 and insertion of 2 amino acid(s) in the PDZD7 protein (p.Arg359_Gly360delinsProArg). This variant is present in population databases (no rsID available, gnomAD 0.02%). This variant has not been reported in the literature in individuals affected with PDZD7-related conditions. Experimental studies and prediction algorithms are not available or were not evaluated, and the functional significance of this variant is currently unknown. In summary, the available evidence is currently insufficient to determine the role of this variant in disease. Therefore, it has been classified as a Variant of Uncertain Significance.

NM_001195263.2(PDZD7):c.1076_1078inv (p.Arg359_Gly360delinsProArg)

Gene: PDZD7 (PDZ domain containing 7; minus strand). Cytogenetic location: 10q24.31.
Variant type: Inversion.
Coding change: c.1076_1078inv on transcript NM_001195263.2 (MANE Select).
Protein change: p.Arg359_Gly360delinsProArg.
Molecular consequence: missense variant.
Genome position: GRCh38 VCF-style: chr10-101019068-CGC-GCG. GRCh37 (hg19) VCF-style: chr10-102778825-CGC-GCG.
Other names: c.1076_1078inv, p.Arg359_Gly360delinsProArg (NM_001351044.2, NM_024895.5).
Identifiers: ClinVar variation 2051949 (VCV002051949.3), ClinGen allele CA2580081136.
Genomic context (GRCh38, chr10:101,019,068, plus strand): 5'-CCCGGCCTCCCGCATCGGGCTCCGTCTGCATGGCTGTGTCCGCCCGCCCCCAGCCTGGGC[CGC>GCG]GGCTGCCGGGCTCCTCCTGCCCGAGGCAGATGTCCATGCGGTCCGACGGCAGGGAGCCCG-3'